The following is an entry in ClinVar:

NM_005411.5(SFTPA1):c.630C>G (p.Asn210Lys)

Gene: SFTPA1 (surfactant protein A1; plus strand). Cytogenetic location: 10q22.3.
Variant type: single nucleotide variant.
Coding change: c.630C>G on transcript NM_005411.5 (MANE Select); coding-DNA position 630, C replaced by G.
Protein change: p.Asn210Lys; replaces asparagine 210 with lysine.
Molecular consequence: missense variant.
Genome position (GRCh38, 1-based): chr10:79,613,996, C>G. VCF-style: chr10-79613996-C-G. GRCh37 (hg19) VCF-style: chr10-81373752-C-G.
Other names: c.675C>G, p.Asn225Lys (NM_001093770.3); c.630C>G, p.Asn210Lys (NM_001164644.2, NM_001164647.1); c.528C>G, p.Asn176Lys (NM_001164645.2); c.483C>G, p.Asn161Lys (NM_001164646.2); short protein forms N210K, N225K, N161K, N176K.
Identifiers: ClinVar variation 227943 (VCV000227943.9), dbSNP rs150214547, ClinGen allele CA5574571.

ClinVar aggregate classification (germline): Likely benign. Review status: criteria provided, multiple submitters, no conflicts (2 of 4 stars). 2 submissions from 2 submitters: Likely benign (2). Last evaluated 2019-12-31.

Allele frequency attached by ClinVar (database versions not stated): gnomAD exomes 0.00046; ExAC 0.00059; ESP Exome Variant Server 0.00185; TOPMed 0.00198; gnomAD 0.00201; 1000 Genomes Project 30x 0.00234; 1000 Genomes Project 0.00240.
gnomAD v4.1: 528 of 1,614,242 alleles (0.033%); highest among the groups gnomAD compares: African/African-American, 0.58%; 2 homozygotes.

Submissions (2):

Labcorp Genetics (formerly Invitae), Labcorp
Classification: Likely benign. Last evaluated: 2019-12-31. Review status: criteria provided, single submitter. Criteria: Invitae Variant Classification Sherloc (09022015). Collection method: clinical testing. Allele origin: germline.

Laboratory for Molecular Medicine, Mass General Brigham Personalized Medicine
Classification: Likely benign. Last evaluated: 2015-09-16. Review status: criteria provided, single submitter. Criteria: LMM Criteria. Collection method: clinical testing. Allele origin: germline. Observed: 1 variant allele.
Comment: p.Asn225Lys in exon 6 of SFTPA1: This variant is not expected to have clinical s ignificance because it has been identified in 0.7% (69/10406) of African chromos omes by the Exome Aggregation Consortium (ExAC; dbSNP rs150214547).